The following is an entry in ClinVar:

ClinVar aggregate classification (germline): Uncertain significance. Review status: criteria provided, multiple submitters, no conflicts (2 of 4 stars). 2 submissions from 2 submitters: Uncertain significance (2). Last evaluated 2025-02-08.

Allele frequency attached by ClinVar (database versions not stated): gnomAD exomes 0.00001.
gnomAD v4.1: 9 of 1,613,830 alleles (0.00056%); highest among the groups gnomAD compares: Admixed American, 0.0017%; no homozygotes.

Submissions (2):

Ambry Genetics
Classification: Uncertain significance. Last evaluated: 2025-02-08. Review status: criteria provided, single submitter. Criteria: Ambry Variant Classification Scheme 2023. Collection method: clinical testing. Allele origin: germline.

Labcorp Genetics (formerly Invitae), Labcorp
Classification: Uncertain significance. Last evaluated: 2023-10-23. Review status: criteria provided, single submitter. Criteria: Invitae Variant Classification Sherloc (09022015). Collection method: clinical testing. Allele origin: germline.
Comment: This sequence change replaces tyrosine, which is neutral and polar, with cysteine, which is neutral and slightly polar, at codon 291 of the POLG2 protein (p.Tyr291Cys). This variant is present in population databases (no rsID available, gnomAD 0.003%). This variant has not been reported in the literature in individuals affected with POLG2-related conditions. An algorithm developed to predict the effect of missense changes on protein structure and function (PolyPhen-2) suggests that this variant is likely to be disruptive. In summary, the available evidence is currently insufficient to determine the role of this variant in disease. Therefore, it has been classified as a Variant of Uncertain Significance.

NM_007215.4(POLG2):c.872A>G (p.Tyr291Cys)

Genes: POLG2 (DNA polymerase gamma 2, accessory subunit; minus strand), MILR1 (mast cell immunoglobulin like receptor 1; plus strand). Cytogenetic location: 17q23.3.
Variant type: single nucleotide variant.
Coding change: c.872A>G on transcript NM_007215.4 (MANE Select); coding-DNA position 872, A replaced by G.
Protein change: p.Tyr291Cys; replaces tyrosine 291 with cysteine.
Molecular consequence: missense variant.
Genome position (GRCh38, 1-based): chr17:64,490,893, T>C on the plus strand (A>G on the coding strand, the complement: POLG2 is on the minus strand). VCF-style: chr17-64490893-T-C. GRCh37 (hg19) VCF-style: chr17-62487010-T-C.
Other names: c.872A>G (NM_007215.3); short protein forms Y291C.
Identifiers: ClinVar variation 2874398 (VCV002874398.4), dbSNP rs1555668356, ClinGen allele CA400638608.